The following is an entry in ClinVar:

NM_001852.4(COL9A2):c.1015C>T (p.Pro339Ser)

Gene: COL9A2 (collagen type IX alpha 2 chain; minus strand). Cytogenetic location: 1p34.2.
Variant type: single nucleotide variant.
Coding change: c.1015C>T on transcript NM_001852.4 (MANE Select); coding-DNA position 1015, C replaced by T.
Protein change: p.Pro339Ser; replaces proline 339 with serine.
Molecular consequence: missense variant.
Genome position (GRCh38, 1-based): chr1:40,306,181, G>A on the plus strand (C>T on the coding strand, the complement: COL9A2 is on the minus strand). VCF-style: chr1-40306181-G-A. GRCh37 (hg19) VCF-style: chr1-40771853-G-A.
Other names: c.1015C>T (NM_001852.3); short protein forms P339S.
Identifiers: ClinVar variation 2810409 (VCV002810409.4), dbSNP rs1644027182, ClinGen allele CA339851508.
Genomic context (GRCh38, chr1:40,306,181, plus strand): 5'-CCCCAGCTTGGGATCGCCTCACCTGGTCTCCAGGGCCTCCTTTTGTCCCAGGCTGGCCTG[G>A]CACACCCTGCAGAAAGAAGTTGAAGTCAGTTTCTGCCCTGGCATGAGGGAGCCCCATGCA-3'
Protein context (NP_001843.1, residues 329-349): SPGHQGLAGV[Pro339Ser]GQPGTKGGPG

ClinVar aggregate classification (germline): Uncertain significance. Review status: criteria provided, multiple submitters, no conflicts (2 of 4 stars). 2 submissions from 2 submitters: Uncertain significance (2). Last evaluated 2025-09-28.

Conditions:
Inborn genetic diseases. Identifiers: MedGen C0950123, MeSH D030342.

Allele frequency attached by ClinVar (database versions not stated): gnomAD exomes below 0.00001.
gnomAD v4.1: 1 of 1,614,166 alleles (0.000062%); highest among the groups gnomAD compares: Non-Finnish European, 0.000085%; no homozygotes.

Submissions (2):

Ambry Genetics
Classification: Uncertain significance for Inborn genetic diseases. Last evaluated: 2025-09-28. Review status: criteria provided, single submitter. Criteria: Ambry Variant Classification Scheme 2023. Collection method: clinical testing. Allele origin: germline.

Labcorp Genetics (formerly Invitae), Labcorp
Classification: Uncertain significance. Last evaluated: 2024-11-19. Review status: criteria provided, single submitter. Criteria: Invitae Variant Classification Sherloc (09022015). Collection method: clinical testing. Allele origin: germline.
Comment: This sequence change replaces proline, which is neutral and non-polar, with serine, which is neutral and polar, at codon 339 of the COL9A2 protein (p.Pro339Ser). This variant is not present in population databases (gnomAD no frequency). This variant has not been reported in the literature in individuals affected with COL9A2-related conditions. ClinVar contains an entry for this variant (Variation ID: 2810409). Invitae Evidence Modeling of protein sequence and biophysical properties (such as structural, functional, and spatial information, amino acid conservation, physicochemical variation, residue mobility, and thermodynamic stability) indicates that this missense variant is not expected to disrupt COL9A2 protein function with a negative predictive value of 95%. In summary, the available evidence is currently insufficient to determine the role of this variant in disease. Therefore, it has been classified as a Variant of Uncertain Significance.